The following is an entry in ClinVar:

ClinVar aggregate classification (germline): Uncertain significance (1 of 4 stars; one submission).

Submission:

Labcorp Genetics (formerly Invitae), Labcorp
Classification: Uncertain significance. Last evaluated: 2022-06-30. Review status: criteria provided, single submitter. Criteria: Invitae Variant Classification Sherloc (09022015). Collection method: clinical testing. Allele origin: germline.
Comment: This sequence change replaces isoleucine, which is neutral and non-polar, with serine, which is neutral and polar, at codon 2180 of the PIEZO1 protein (p.Ile2180Ser). This variant is not present in population databases (gnomAD no frequency). This variant has not been reported in the literature in individuals affected with PIEZO1-related conditions. Algorithms developed to predict the effect of missense changes on protein structure and function are either unavailable or do not agree on the potential impact of this missense change (SIFT: "Deleterious"; PolyPhen-2: "Probably Damaging"; Align-GVGD: "Class C0"). In summary, the available evidence is currently insufficient to determine the role of this variant in disease. Therefore, it has been classified as a Variant of Uncertain Significance.

NM_001142864.4(PIEZO1):c.6539T>G (p.Ile2180Ser)

Gene: PIEZO1 (piezo type mechanosensitive ion channel component 1 (Er blood group); minus strand). Cytogenetic location: 16q24.3.
Variant type: single nucleotide variant.
Coding change: c.6539T>G on transcript NM_001142864.4 (MANE Select); coding-DNA position 6539, T replaced by G.
Protein change: p.Ile2180Ser; replaces isoleucine 2180 with serine.
Molecular consequence: missense variant.
Genome position (GRCh38, 1-based): chr16:88,717,144, A>C on the plus strand (T>G on the coding strand, the complement: PIEZO1 is on the minus strand). VCF-style: chr16-88717144-A-C. GRCh37 (hg19) VCF-style: chr16-88783552-A-C.
Other names: c.5081T>G, p.Ile1694Ser (NM_014745.1); short protein forms I1694S, I2180S.
Identifiers: ClinVar variation 2012474 (VCV002012474.4), dbSNP rs2507828928, ClinGen allele CA397079689.